The following is an entry in ClinVar:

NM_017934.7(PHIP):c.3558C>A (p.Ala1186=)

Genes: IRAK1BP1 (interleukin 1 receptor associated kinase 1 binding protein 1; plus strand), PHIP (PHIP subunit of CUL4-Ring ligase complex; minus strand). Cytogenetic location: 6q14.1.
Variant type: single nucleotide variant.
Coding change: c.3558C>A on transcript NM_017934.7 (MANE Select); coding-DNA position 3558, C replaced by A.
Protein change: p.Ala1186=; no amino-acid change (alanine 1186 retained).
Molecular consequence: synonymous variant.
Genome position (GRCh38, 1-based): chr6:78,961,788, G>T on the plus strand (C>A on the coding strand, the complement: PHIP is on the minus strand). VCF-style: chr6-78961788-G-T. GRCh37 (hg19) VCF-style: chr6-79671505-G-T.
Identifiers: ClinVar variation 4998138 (VCV004998138.1).

ClinVar aggregate classification (germline): Likely benign (1 of 4 stars; one submission).

Conditions:
PHIP-related disorder. Also called: PHIP-related condition; PHIP-related disorders.

gnomAD v4.1: 1 of 1,610,386 alleles (0.000062%); highest among the groups gnomAD compares: Non-Finnish European, 0.000085%; no homozygotes.

Submission:

PreventionGenetics, part of Exact Sciences
Classification: Likely benign for PHIP-related condition. Last evaluated: 2024-10-13. Review status: criteria provided, single submitter. Criteria: ACMG Guidelines, 2015. Collection method: clinical testing. Allele origin: germline.
Comment: This variant is classified as likely benign based on ACMG/AMP sequence variant interpretation guidelines (Richards et al. 2015 PMID: 25741868, with internal and published modifications).